The following is an entry in ClinVar:

ClinVar aggregate classification (germline): Likely pathogenic (1 of 4 stars; one submission).

Conditions:
Cerebellar ataxia, impaired intellectual development, and dysequilibrium syndrome 1. Also called: CEREBELLAR ATAXIA AND MENTAL RETARDATION WITH OR WITHOUT QUADRUPEDAL LOCOMOTION 1; CEREBELLAR ATAXIA, CONGENITAL, AND MENTAL RETARDATION, AUTOSOMAL RECESSIVE; Cerebellar ataxia, mental retardation, and dysequilibrium syndrome 1; VLDLR Cerebellar Hypoplasia; Cerebellar ataxia, intellectual disability, and dysequilibrium syndrome 1; Cerebellar hypoplasia and mental retardation with or without quadrupedal locomotion 1. Identifiers: Orphanet 1766, MedGen C4551552, MONDO:0024542, OMIM 224050.

Submission:

Juno Genomics, Hangzhou Juno Genomics, Inc
Classification: Likely pathogenic for Cerebellar ataxia, impaired intellectual development, and dysequilibrium syndrome 1. Review status: criteria provided, single submitter. Criteria: ACMG Guidelines, 2015. Collection method: clinical testing. Allele origin: germline.
Comment: Null variant in a gene where loss of function (LOF) is a known mechanism of disease.;Absent from controls (or at extremely low frequency if recessive) in Genome Aggregation Database.

NM_003383.5(VLDLR):c.1613C>G (p.Ser538Ter)

Gene: VLDLR (very low density lipoprotein receptor; plus strand). Cytogenetic location: 9p24.2.
Variant type: single nucleotide variant.
Coding change: c.1613C>G on transcript NM_003383.5 (MANE Select); coding-DNA position 1613, C replaced by G.
Protein change: p.Ser538Ter; replaces serine 538 with a stop codon.
Molecular consequence: nonsense.
Genome position (GRCh38, 1-based): chr9:2,646,462, C>G. VCF-style: chr9-2646462-C-G. GRCh37 (hg19) VCF-style: chr9-2646462-C-G.
Other names: c.1613C>G, p.Ser538Ter (NM_001018056.3); c.1490C>G, p.Ser497Ter (NM_001322225.2, NM_001322226.2); short protein forms S497*, S538*.
Identifiers: ClinVar variation 5007434 (VCV005007434.2).